The following is an entry in ClinVar:

ClinVar aggregate classification (germline): Uncertain significance (1 of 4 stars; one submission).

Conditions:
Pheochromocytoma/paraganglioma syndrome 3. Also called: GLOMUS TUMORS, FAMILIAL, 3; Paragangliomas 3; SDHC-Related Hereditary Paraganglioma-Pheochromocytoma Syndrome (Paragangliomas 3); SDHC-Related Hereditary Paraganglioma-Pheochromocytoma Syndrome. Identifiers: Orphanet 29072, MedGen C1854336, MONDO:0011544, OMIM 605373.
Gastrointestinal stromal tumor. Also called: Gastrointestinal stroma tumor; Gastrointestinal stromal tumor, somatic. Identifiers: Orphanet 44890, MedGen C0238198, MeSH D046152, MONDO:0011719, OMIM 606764, HP:0100723.

Submission:

Labcorp Genetics (formerly Invitae), Labcorp
Classification: Uncertain significance for Pheochromocytoma/paraganglioma syndrome 3; Gastrointestinal stromal tumor. Last evaluated: 2025-08-11. Review status: criteria provided, single submitter. Criteria: Invitae Variant Classification Sherloc (09022015). Collection method: clinical testing. Allele origin: germline.
Comment: This sequence change replaces methionine, which is neutral and non-polar, with isoleucine, which is neutral and non-polar, at codon 125 of the SDHC protein (p.Met125Ile). This variant is not present in population databases (gnomAD no frequency). This variant has not been reported in the literature in individuals affected with SDHC-related conditions. An algorithm developed to predict the effect of missense changes on protein structure and function (PolyPhen-2) suggests that this variant is likely to be tolerated. This variant disrupts the p.Met125 amino acid residue in SDHC. Other variant(s) that disrupt this residue have been determined to be pathogenic (PMID: 23512077, 30877234; internal data). This suggests that this residue is clinically significant, and that variants that disrupt this residue are likely to be disease-causing. In summary, the available evidence is currently insufficient to determine the role of this variant in disease. Therefore, it has been classified as a Variant of Uncertain Significance.

Literature cited by the submitters: PubMed 23512077; PubMed 30877234.

NM_003001.5(SDHC):c.375G>C (p.Met125Ile)

Gene: SDHC (succinate dehydrogenase complex subunit C; plus strand). Cytogenetic location: 1q23.3.
Variant type: single nucleotide variant.
Coding change: c.375G>C on transcript NM_003001.5 (MANE Select); coding-DNA position 375, G replaced by C.
Protein change: p.Met125Ile; replaces methionine 125 with isoleucine.
Molecular consequence: missense variant. On other transcripts: non-coding transcript variant (1), intron variant (3).
Genome position (GRCh38, 1-based): chr1:161,356,810, G>C. VCF-style: chr1-161356810-G-C. GRCh37 (hg19) VCF-style: chr1-161326600-G-C.
Other names: c.273G>C, p.Met91Ile (NM_001035512.3); c.216G>C, p.Met72Ile (NM_001035513.3); c.495G>C, p.Met165Ile (NM_001407115.1); c.318G>C, p.Met106Ile (NM_001407116.1); c.312G>C, p.Met104Ile (NM_001407117.1); c.267G>C, p.Met89Ile (NM_001407118.1); c.264G>C, p.Met88Ile (NM_001407119.1, NM_001407120.1); c.242-5519G>C (NM_001035511.3); and 2 more; short protein forms M165I, M88I, M89I, M91I, M106I, M104I, M72I, M125I.
Identifiers: ClinVar variation 4785837 (VCV004785837.1).